The following is an entry in ClinVar:

NM_006031.6(PCNT):c.7634C>T (p.Ala2545Val)

Gene: PCNT (pericentrin; plus strand). Cytogenetic location: 21q22.3.
Variant type: single nucleotide variant.
Coding change: c.7634C>T on transcript NM_006031.6 (MANE Select); coding-DNA position 7634, C replaced by T.
Protein change: p.Ala2545Val; replaces alanine 2545 with valine.
Molecular consequence: missense variant.
Genome position (GRCh38, 1-based): chr21:46,428,534, C>T. VCF-style: chr21-46428534-C-T. GRCh37 (hg19) VCF-style: chr21-47848448-C-T.
Other names: c.7280C>T, p.Ala2427Val (NM_001315529.2); short protein forms A2545V, A2427V.
Identifiers: ClinVar variation 436220 (VCV000436220.10), dbSNP rs150303409, ClinGen allele CA10080728.

ClinVar aggregate classification (germline): Uncertain significance. Review status: criteria provided, multiple submitters, no conflicts (2 of 4 stars). 4 submissions from 4 submitters: Uncertain significance (4). Last evaluated 2026-04-28.

Conditions:
PCNT-related disorder. Also called: PCNT-related condition.

Allele frequency attached by ClinVar (database versions not stated): gnomAD 0.00005 and 0.00006; gnomAD exomes 0.00005 and 0.00011; TOPMed 0.00006; ExAC 0.00007; ESP Exome Variant Server 0.00015.
gnomAD v4.1: 171 of 1,610,026 alleles (0.011%); highest among the groups gnomAD compares: Middle Eastern, 0.052%; no homozygotes.

Submissions (4):

PreventionGenetics, part of Exact Sciences
Classification: Uncertain significance for PCNT-related condition. Last evaluated: 2026-04-28. Review status: criteria provided, single submitter. Criteria: ACMG Guidelines, 2015. Collection method: clinical testing. Allele origin: germline.
Comment: The PCNT c.7634C>T variant is predicted to result in the amino acid substitution p.Ala2545Val. To our knowledge, this variant has not been reported in the literature. This variant is reported in 0.0098% of alleles in individuals of European (Non-Finnish) descent in gnomAD. At this time, the clinical significance of this variant is uncertain due to the absence of conclusive functional and genetic evidence.

Blueprint Genetics
Classification: Uncertain significance. Last evaluated: 2024-06-25. Review status: criteria provided, single submitter. Criteria: ACMG Guidelines, 2015. Collection method: clinical testing. Allele origin: germline.

Labcorp Genetics (formerly Invitae), Labcorp
Classification: Uncertain significance. Last evaluated: 2022-07-20. Review status: criteria provided, single submitter. Criteria: Invitae Variant Classification Sherloc (09022015). Collection method: clinical testing. Allele origin: germline.
Comment: This sequence change replaces alanine, which is neutral and non-polar, with valine, which is neutral and non-polar, at codon 2545 of the PCNT protein (p.Ala2545Val). This variant is present in population databases (rs150303409, gnomAD 0.008%). This variant has not been reported in the literature in individuals affected with PCNT-related conditions. ClinVar contains an entry for this variant (Variation ID: 436220). Algorithms developed to predict the effect of missense changes on protein structure and function are either unavailable or do not agree on the potential impact of this missense change (SIFT: "Deleterious"; PolyPhen-2: "Possibly Damaging"; Align-GVGD: "Class C0"). Algorithms developed to predict the effect of sequence changes on RNA splicing suggest that this variant may create or strengthen a splice site. In summary, the available evidence is currently insufficient to determine the role of this variant in disease. Therefore, it has been classified as a Variant of Uncertain Significance.

Genetic Services Laboratory, University of Chicago
Classification: Uncertain significance. Last evaluated: 2016-08-11. Review status: criteria provided, single submitter. Criteria: ACMG Guidelines, 2015. Collection method: clinical testing. Allele origin: germline. Affected: no.